The following is an entry in ClinVar:

ClinVar aggregate classification (germline): Uncertain significance (1 of 4 stars; one submission).

Conditions:
ABCA13-related disorder. Also called: ABCA13-related condition.

Submission:

PreventionGenetics, part of Exact Sciences
Classification: Uncertain significance for ABCA13-related condition. Last evaluated: 2026-03-26. Review status: criteria provided, single submitter. Criteria: ACMG Guidelines, 2015. Collection method: clinical testing. Allele origin: germline.
Comment: The ABCA13 c.9923C>T variant is predicted to result in the amino acid substitution p.Thr3308Ile. To our knowledge, this variant has not been reported in the literature or in a large population database (gnomAD), indicating this variant is rare. At this time, the clinical significance of this variant is uncertain due to the absence of conclusive functional and genetic evidence.

NM_152701.5(ABCA13):c.9923C>T (p.Thr3308Ile)

Gene: ABCA13 (ATP binding cassette subfamily A member 13; plus strand). Cytogenetic location: 7p12.3.
Variant type: single nucleotide variant.
Coding change: c.9923C>T on transcript NM_152701.5 (MANE Select); coding-DNA position 9923, C replaced by T.
Protein change: p.Thr3308Ile; replaces threonine 3308 with isoleucine.
Molecular consequence: missense variant.
Genome position (GRCh38, 1-based): chr7:48,317,220, C>T. VCF-style: chr7-48317220-C-T. GRCh37 (hg19) VCF-style: chr7-48356817-C-T.
Other names: short protein forms T3308I.
Identifiers: ClinVar variation 4991030 (VCV004991030.1).
Genomic context (GRCh38, chr7:48,317,220, plus strand): 5'-CGTTTTGCTTGAAGCTTTATCAGGAAATTCTACAATTGCCAAATGGTGCTTTGGTGTGGA[C>T]CTTCCTAAAACCCATATTGCATGGAAAAATACTATACACACCAAACACTCCAGAAATTAA-3'
Protein context (NP_689914.3, residues 3298-3318): LQLPNGALVW[Thr3308Ile]FLKPILHGKI